The following is an entry in ClinVar:

ClinVar aggregate classification (germline): Uncertain significance. Review status: criteria provided, multiple submitters, no conflicts (2 of 4 stars). 2 submissions from 2 submitters: Uncertain significance (2). Last evaluated 2025-12-01.

Conditions:
H syndrome. Also called: FAISALABAD HISTIOCYTOSIS; HISTIOCYTOSIS AND LYMPHADENOPATHY WITH OR WITHOUT CUTANEOUS, CARDIAC, AND/OR ENDOCRINE FEATURES, JOINT CONTRACTURES, AND/OR DEAFNESS; HYPERPIGMENTATION, CUTANEOUS, WITH HYPERTRICHOSIS, HEPATOSPLENOMEGALY, HEART ANOMALIES, AND HYPOGONADISM WITH OR WITHOUT HEARING LOSS; PIGMENTED HYPERTRICHOSIS WITH INSULIN-DEPENDENT DIABETES MELLITUS; ROSAI-DORFMAN DISEASE, FAMILIAL; SINUS HISTIOCYTOSIS AND MASSIVE LYMPHADENOPATHY. Identifiers: Orphanet 168569, MedGen C1864445, MONDO:0011273, OMIM 602782.
Inborn genetic diseases. Identifiers: MedGen C0950123, MeSH D030342.

Allele frequency attached by ClinVar (database versions not stated): ExAC 0.00001; gnomAD 0.00001 and 0.00002; TOPMed 0.00004.
gnomAD v4.1: 27 of 1,614,102 alleles (0.0017%); highest among the groups gnomAD compares: African/African-American, 0.004%; 1 homozygote.

Submissions (2):

Labcorp Genetics (formerly Invitae), Labcorp
Classification: Uncertain significance for H syndrome. Last evaluated: 2025-12-01. Review status: criteria provided, single submitter. Criteria: Invitae Variant Classification Sherloc (09022015). Collection method: clinical testing. Allele origin: germline.
Comment: This sequence change replaces leucine, which is neutral and non-polar, with isoleucine, which is neutral and non-polar, at codon 429 of the SLC29A3 protein (p.Leu429Ile). This variant is present in population databases (rs745445966, gnomAD 0.004%). This variant has not been reported in the literature in individuals affected with SLC29A3-related conditions. ClinVar contains an entry for this variant (Variation ID: 1037246). Invitae Evidence Modeling of protein sequence and biophysical properties (such as structural, functional, and spatial information, amino acid conservation, physicochemical variation, residue mobility, and thermodynamic stability) indicates that this missense variant is not expected to disrupt SLC29A3 protein function with a negative predictive value of 80%. In summary, the available evidence is currently insufficient to determine the role of this variant in disease. Therefore, it has been classified as a Variant of Uncertain Significance.

Ambry Genetics
Classification: Uncertain significance for Inborn genetic diseases. Last evaluated: 2023-11-13. Review status: criteria provided, single submitter. Criteria: Ambry Variant Classification Scheme 2023. Collection method: clinical testing. Allele origin: germline.

NM_018344.6(SLC29A3):c.1285C>A (p.Leu429Ile)

Gene: SLC29A3 (solute carrier family 29 member 3; plus strand). Cytogenetic location: 10q22.1.
Variant type: single nucleotide variant.
Coding change: c.1285C>A on transcript NM_018344.6 (MANE Select); coding-DNA position 1285, C replaced by A.
Protein change: p.Leu429Ile; replaces leucine 429 with isoleucine.
Molecular consequence: missense variant. On other transcripts: 3 prime UTR variant (1), non-coding transcript variant (2).
Genome position (GRCh38, 1-based): chr10:71,362,465, C>A. VCF-style: chr10-71362465-C-A. GRCh37 (hg19) VCF-style: chr10-73122222-C-A.
Other names: c.1285C>A (NM_018344.5); c.*514C>A (NM_001174098.2); c.1051C>A, p.Leu351Ile (NM_001363518.2); short protein forms L429I, L351I.
Identifiers: ClinVar variation 1037246 (VCV001037246.5), dbSNP rs745445966, ClinGen allele CA5543175.
Genomic context (GRCh38, chr10:71,362,465, plus strand): 5'-TTCCAGTCCGATGTGTACCCCGCACTCCTCAGCTCCCTGCTGGGGCTCAGCAACGGCTAC[C>A]TCAGCACCCTGGCCCTCCTCTACGGGCCTAAGATTGTGCCCAGGGAGCTGGCTGAGGCCA-3'
Protein context (NP_060814.4, residues 419-439): SSLLGLSNGY[Leu429Ile]STLALLYGPK